The following is an entry in ClinVar:

ClinVar aggregate classification (germline): Benign/Likely benign. Review status: criteria provided, multiple submitters, no conflicts (2 of 4 stars). 22 submissions from 15 submitters: Benign (16); Likely benign (3). 3 of the submissions do not count toward it. Last evaluated 2026-02-04.

Conditions:
Dilated cardiomyopathy 1G (CMD1G). Identifiers: Orphanet 154, MedGen C1858763, MONDO:0011400, OMIM 604145.
Autosomal recessive limb-girdle muscular dystrophy type 2J (LGMDR10). Also called: MUSCULAR DYSTROPHY, LIMB-GIRDLE, AUTOSOMAL RECESSIVE 10; Limb-girdle muscular dystrophy, type 2J. Identifiers: Orphanet 140922, MedGen C1837342, MONDO:0012127, OMIM 608807.
Cardiovascular phenotype. Identifiers: MedGen CN230736.
Early-onset myopathy with fatal cardiomyopathy (CMYO5). Also called: CONGENITAL MYOPATHY 5 WITH CARDIOMYOPATHY; Salih Myopathy. Identifiers: Orphanet 289377, MedGen C2673677, MONDO:0012714, OMIM 611705. Disease mechanism: loss of function.
Tibial muscular dystrophy (TMD). Also called: Udd Distal Myopathy – Tibial Muscular Dystrophy; Tibial muscular dystrophy, tardive; UDD MYOPATHY. Identifiers: Orphanet 609, MedGen C1838244, MONDO:0010870, OMIM 600334.
Myopathy, myofibrillar, 9, with early respiratory failure (MFM9). Also called: Myopathy, distal, with early respiratory failure, autosomal dominant; Hereditary myopathy with early respiratory failure; MYOPATHY, PROXIMAL, WITH EARLY RESPIRATORY MUSCLE INVOLVEMENT; EDSTROM MYOPATHY. Identifiers: Orphanet 178464, Orphanet 34521, MedGen C1863599, MONDO:0011362, OMIM 603689.

Allele frequency attached by ClinVar (database versions not stated): ExAC 0.04466; 1000 Genomes Project 0.09205; gnomAD exomes 0.02962 and 0.04382; gnomAD 0.05779 and 0.05725; TOPMed 0.06361; 1000 Genomes Project 30x 0.09088; ESP Exome Variant Server 0.05134.
gnomAD v4.1: 52,651 of 1,613,920 alleles (3.3%); highest among the groups gnomAD compares: East Asian, 18%; 1,971 homozygotes.

Submissions (22):

Labcorp Genetics (formerly Invitae), Labcorp
Classification: Benign for Dilated cardiomyopathy 1G; Autosomal recessive limb-girdle muscular dystrophy type 2J. Last evaluated: 2026-02-04. Review status: criteria provided, single submitter. Criteria: Invitae Variant Classification Sherloc (09022015). Collection method: clinical testing. Allele origin: germline.

Molecular Diagnostic Laboratory for Inherited Cardiovascular Disease, Montreal Heart Institute
Classification: Likely benign. Last evaluated: 2025-04-09. Review status: criteria provided, single submitter. Criteria: ACMG Guidelines, 2015. Collection method: clinical testing. Allele origin: germline. Affected: no.

Genome-Nilou Lab
Classification: Benign for Autosomal recessive limb-girdle muscular dystrophy type 2J. Last evaluated: 2021-09-10. Review status: criteria provided, single submitter. Criteria: ACMG Guidelines, 2015. Collection method: clinical testing. Allele origin: germline. Affected: no.

Genome-Nilou Lab
Classification: Benign for Myopathy, myofibrillar, 9, with early respiratory failure. Last evaluated: 2021-09-10. Review status: criteria provided, single submitter. Criteria: ACMG Guidelines, 2015. Collection method: clinical testing. Allele origin: germline. Affected: no.

Genome-Nilou Lab
Classification: Benign for Early-onset myopathy with fatal cardiomyopathy. Last evaluated: 2021-09-10. Review status: criteria provided, single submitter. Criteria: ACMG Guidelines, 2015. Collection method: clinical testing. Allele origin: germline. Affected: no.

Genome-Nilou Lab
Classification: Benign for Tibial muscular dystrophy. Last evaluated: 2021-09-10. Review status: criteria provided, single submitter. Criteria: ACMG Guidelines, 2015. Collection method: clinical testing. Allele origin: germline. Affected: no.

Women's Health and Genetics/Laboratory Corporation of America, LabCorp
Classification: Likely benign. Last evaluated: 2021-01-28. Review status: criteria provided, single submitter. Criteria: LabCorp Variant Classification Summary - May 2015. Collection method: clinical testing. Allele origin: germline.

Illumina Laboratory Services, Illumina
Classification: Benign for Tibial muscular dystrophy. Last evaluated: 2018-01-13. Review status: criteria provided, single submitter. Criteria: ICSL Variant Classification Criteria 13 December 2019. Collection method: clinical testing. Allele origin: germline.
Comment: This variant was observed in the ICSL laboratory as part of a predisposition screen in an ostensibly healthy population. It had not been previously curated by ICSL or reported in the Human Gene Mutation Database (HGMD: prior to June 1st, 2018), and was therefore a candidate for classification through an automated scoring system. Utilizing variant allele frequency, disease prevalence and penetrance estimates, and inheritance mode, an automated score was calculated to assess if this variant is too frequent to cause the disease. Based on the score and internal cut-off values, a variant classified as benign is not then subjected to further curation. The score for this variant resulted in a classification of benign for this disease.

Illumina Laboratory Services, Illumina
Classification: Benign for Myopathy, myofibrillar, 9, with early respiratory failure. Last evaluated: 2018-01-13. Review status: criteria provided, single submitter. Criteria: ICSL Variant Classification Criteria 13 December 2019. Collection method: clinical testing. Allele origin: germline.
Comment: the same text as in the submission from Illumina Laboratory Services, Illumina above.

Illumina Laboratory Services, Illumina
Classification: Benign for Dilated cardiomyopathy 1G. Last evaluated: 2018-01-13. Review status: criteria provided, single submitter. Criteria: ICSL Variant Classification Criteria 13 December 2019. Collection method: clinical testing. Allele origin: germline.
Comment: the same text as in the submission from Illumina Laboratory Services, Illumina above.

Illumina Laboratory Services, Illumina
Classification: Benign for Autosomal recessive limb-girdle muscular dystrophy type 2J. Last evaluated: 2018-01-13. Review status: criteria provided, single submitter. Criteria: ICSL Variant Classification Criteria 13 December 2019. Collection method: clinical testing. Allele origin: germline.
Comment: the same text as in the submission from Illumina Laboratory Services, Illumina above.

Illumina Laboratory Services, Illumina
Classification: Benign for Early-onset myopathy with fatal cardiomyopathy. Last evaluated: 2018-01-13. Review status: criteria provided, single submitter. Criteria: ICSL Variant Classification Criteria 13 December 2019. Collection method: clinical testing. Allele origin: germline.
Comment: the same text as in the submission from Illumina Laboratory Services, Illumina above.

Mayo Clinic Laboratories, Mayo Clinic
Classification: Benign. Last evaluated: 2017-08-24. Review status: criteria provided, single submitter. Criteria: ACMG Guidelines, 2015. Collection method: clinical testing. Allele origin: germline. Observed: 201 variant alleles.

Genetic Services Laboratory, University of Chicago
Classification: Benign for AllHighlyPenetrant. Last evaluated: 2013-08-15. Review status: criteria provided, single submitter. Criteria: ACMG Guidelines, 2007. Collection method: clinical testing. Allele origin: germline.

Biesecker Lab/Clinical Genomics Section, National Institutes of Health
Classification: Benign. Last evaluated: 2013-06-24. Review status: criteria provided, single submitter. Criteria: Ng et al. (Circ Cardiovasc Genet. 2013). Collection method: research. Allele origin: unknown. Observed: 38 variant alleles. Study: ClinSeq.
Comment: The study set was not selected for affection status in relation to any cancer. Pathogenicity categories were based on literature curation. See Pubmed ID:23861362 for details.

Medical sequencing

Ambry Genetics
Classification: Benign for Cardiovascular phenotype. Last evaluated: 2013-01-16. Review status: criteria provided, single submitter. Criteria: Ambry Autosomal Dominant and X-Linked criteria (10/2015). Collection method: clinical testing. Allele origin: germline. Observed: 1 variant allele.

GeneDx
Classification: Benign. Last evaluated: 2012-10-31. Review status: criteria provided, single submitter. Criteria: GeneDx Variant Classification (06012015). Collection method: clinical testing. Allele origin: germline. Affected: yes.
Comment: This variant is considered likely benign or benign based on one or more of the following criteria: it is a conservative change, it occurs at a poorly conserved position in the protein, it is predicted to be benign by multiple in silico algorithms, and/or has population frequency not consistent with disease.

Laboratory for Molecular Medicine, Mass General Brigham Personalized Medicine
Classification: Benign. Last evaluated: 2012-05-22. Review status: criteria provided, single submitter. Criteria: LMM Criteria. Collection method: clinical testing. Allele origin: germline. Observed: 145 variant alleles.

Breakthrough Genomics
Classification: Likely benign. Review status: criteria provided, single submitter. Criteria: ACMG Guidelines, 2015. Collection method: not provided. Allele origin: germline. Inheritance: Autosomal recessive inheritance. Affected: yes.

Clinical Genetics DNA and cytogenetics Diagnostics Lab, Erasmus MC, Erasmus Medical Center
Classification: Benign. Review status: no assertion criteria provided. Collection method: clinical testing. Allele origin: germline. Affected: yes. Study: VKGL Data-share Consensus. Not counted in ClinVar's aggregate classification.

Clinical Genetics, Academic Medical Center
Classification: Benign. Review status: no assertion criteria provided. Collection method: clinical testing. Allele origin: germline. Affected: yes. Study: VKGL Data-share Consensus. Not counted in ClinVar's aggregate classification.

Laboratory of Diagnostic Genome Analysis, Leiden University Medical Center (LUMC)
Classification: Benign. Review status: no assertion criteria provided. Collection method: clinical testing. Allele origin: germline. Affected: yes. Study: VKGL Data-share Consensus. Not counted in ClinVar's aggregate classification.

NM_001267550.2(TTN):c.107267T>C (p.Val35756Ala)

Genes: TTN (titin; minus strand), TTN-AS1 (TTN antisense RNA 1; plus strand). Cytogenetic location: 2q31.2.
Variant type: single nucleotide variant.
Coding change: c.107267T>C on transcript NM_001267550.2 (MANE Select); coding-DNA position 107267, T replaced by C.
Protein change: p.Val35756Ala; replaces valine 35756 with alanine.
Molecular consequence: missense variant.
Genome position (GRCh38, 1-based): chr2:178,528,384, A>G on the plus strand (T>C on the coding strand, the complement: TTN is on the minus strand). VCF-style: chr2-178528384-A-G. GRCh37 (hg19) VCF-style: chr2-179393111-A-G.
Other names: p.V33188A:GTA>GCA; c.102344T>C, p.Val34115Ala (NM_001256850.1); c.80072T>C, p.Val26691Ala (NM_003319.4); c.99563T>C, p.Val33188Ala (NM_133378.4); c.80447T>C, p.Val26816Ala (NM_133432.3); c.80648T>C, p.Val26883Ala (NM_133437.4); short protein forms V35756A, V33188A, V34115A, V26883A, V26816A, V26691A.
Identifiers: ClinVar variation 47718 (VCV000047718.35), dbSNP rs16866378, ClinGen allele CA284412.